The following is an entry in ClinVar:

ClinVar aggregate classification (germline): Likely pathogenic (1 of 4 stars; one submission).

Conditions:
Glycine encephalopathy. Also called: Nonketotic hyperglycinemia; Non-ketotic hyperglycinemia. Identifiers: Orphanet 407, MedGen C0751748, MONDO:0011612, HP:0008288.

Submission:

Labcorp Genetics (formerly Invitae), Labcorp
Classification: Likely pathogenic for Glycine encephalopathy. Last evaluated: 2023-08-10. Review status: criteria provided, single submitter. Criteria: Invitae Variant Classification Sherloc (09022015). Collection method: clinical testing. Allele origin: germline.
Comment: In summary, the currently available evidence indicates that the variant is pathogenic, but additional data are needed to prove that conclusively. Therefore, this variant has been classified as Likely Pathogenic. Algorithms developed to predict the effect of sequence changes on RNA splicing suggest that this variant may disrupt the consensus splice site. This variant has not been reported in the literature in individuals affected with GLDC-related conditions. This variant is not present in population databases (gnomAD no frequency). This sequence change affects a donor splice site in intron 9 of the GLDC gene. It is expected to disrupt RNA splicing. Variants that disrupt the donor or acceptor splice site typically lead to a loss of protein function (PMID: 16199547), and loss-of-function variants in GLDC are known to be pathogenic (PMID: 16601880).

Literature cited by the submitters: PubMed 16199547; PubMed 16601880.

NM_000170.3(GLDC):c.1261+2T>A

Gene: GLDC (glycine decarboxylase; minus strand). Cytogenetic location: 9p24.1.
Variant type: single nucleotide variant.
Coding change: c.1261+2T>A on transcript NM_000170.3 (MANE Select); the canonical splice donor site of the intron after coding-DNA position 1261, T replaced by A.
Molecular consequence: splice donor variant.
Genome position (GRCh38, 1-based): chr9:6,595,012, A>T on the plus strand (T>A on the coding strand, the complement: GLDC is on the minus strand). VCF-style: chr9-6595012-A-T. GRCh37 (hg19) VCF-style: chr9-6595012-A-T.
Identifiers: ClinVar variation 2751689 (VCV002751689.3), dbSNP rs1818463608, ClinGen allele CA372894194.